The following is an entry in ClinVar:

NM_025074.7(FRAS1):c.9458T>G (p.Leu3153Arg)

Gene: FRAS1 (Fraser extracellular matrix complex subunit 1; plus strand). Cytogenetic location: 4q21.21.
Variant type: single nucleotide variant.
Coding change: c.9458T>G on transcript NM_025074.7 (MANE Select); coding-DNA position 9458, T replaced by G.
Protein change: p.Leu3153Arg; replaces leucine 3153 with arginine.
Molecular consequence: missense variant.
Genome position (GRCh38, 1-based): chr4:78,507,562, T>G. VCF-style: chr4-78507562-T-G. GRCh37 (hg19) VCF-style: chr4-79428716-T-G.
Other names: short protein forms L3153R.
Identifiers: ClinVar variation 5006797 (VCV005006797.2).

ClinVar aggregate classification (germline): Uncertain significance (1 of 4 stars; one submission).

Conditions:
Fraser syndrome 1 (FRASRS1). Also called: CRYPTOPHTHALMOS WITH OTHER MALFORMATIONS. Identifiers: Orphanet 2052, MedGen C4551480, MONDO:0054737, OMIM 219000.

gnomAD v4.1: 5 of 1,609,538 alleles (0.00031%); highest among the groups gnomAD compares: East Asian, 0.009%; no homozygotes.

Submission:

Juno Genomics, Hangzhou Juno Genomics, Inc
Classification: Uncertain significance for Fraser syndrome 1. Review status: criteria provided, single submitter. Criteria: ACMG Guidelines, 2015. Collection method: clinical testing. Allele origin: germline.
Comment: Absent from controls (or at extremely low frequency if recessive) in Genome Aggregation Database.;Multiple lines of computational evidence support a deleterious effect on the gene or gene product.